The following is an entry in ClinVar:

NM_005591.4(MRE11):c.887T>C (p.Met296Thr)

Gene: MRE11 (MRE11 double strand break repair nuclease; minus strand). Cytogenetic location: 11q21.
Variant type: single nucleotide variant.
Coding change: c.887T>C on transcript NM_005591.4 (MANE Select); coding-DNA position 887, T replaced by C.
Protein change: p.Met296Thr; replaces methionine 296 with threonine.
Molecular consequence: missense variant.
Genome position (GRCh38, 1-based): chr11:94,470,601, A>G on the plus strand (T>C on the coding strand, the complement: MRE11 is on the minus strand). VCF-style: chr11-94470601-A-G. GRCh37 (hg19) VCF-style: chr11-94203767-A-G.
Other names: c.887T>C, p.Met296Thr (NM_001330347.2, NM_005590.4); short protein forms M296T.
Identifiers: ClinVar variation 2565900 (VCV002565900.2), dbSNP rs2496484825, ClinGen allele CA382374640.
Genomic context (GRCh38, chr11:94,470,601, plus strand): 5'-TTAGCTAGAACAATATCCTCCATGAAAAACTGCCGCACTGTGTGAAGAGGAATTTTATGC[A>G]TATTCATCTTCCTCCCTTTAATACGCAGCAAACCAACATGTCTGAAGTGGAGAGAAATGA-3'
Protein context (NP_005582.1, residues 286-306): LLRIKGRKMN[Met296Thr]HKIPLHTVRQ

ClinVar aggregate classification (germline): Uncertain significance (1 of 4 stars; one submission).

Conditions:
Hereditary cancer-predisposing syndrome. Also called: Neoplastic Syndromes, Hereditary; Hereditary Cancer Syndrome; Hereditary neoplastic syndrome; Tumor predisposition. Identifiers: Orphanet 140162, MedGen C0027672, MeSH D009386, MONDO:0015356.

Allele frequency attached by ClinVar (database versions not stated): gnomAD exomes below 0.00001.

Submission:

Ambry Genetics
Classification: Uncertain significance for Hereditary cancer-predisposing syndrome. Last evaluated: 2023-04-22. Review status: criteria provided, single submitter. Criteria: Ambry Variant Classification Scheme 2023. Collection method: clinical testing. Allele origin: germline.
Comment: The p.M296T variant (also known as c.887T>C), located in coding exon 8 of the MRE11A gene, results from a T to C substitution at nucleotide position 887. The methionine at codon 296 is replaced by threonine, an amino acid with similar properties. This amino acid position is conserved. In addition, the in silico prediction for this alteration is inconclusive. Since supporting evidence is limited at this time, the clinical significance of this alteration remains unclear.